The following is an entry in ClinVar:

ClinVar aggregate classification (germline): Likely benign (1 of 4 stars; one submission).

Allele frequency attached by ClinVar (database versions not stated): gnomAD exomes below 0.00001.
gnomAD v4.1: 1 of 1,614,204 alleles (0.000062%); highest among the groups gnomAD compares: Non-Finnish European, 0.000085%; no homozygotes.

Submission:

GeneDx
Classification: Likely benign. Last evaluated: 2018-05-18. Review status: criteria provided, single submitter. Criteria: GeneDx Variant Classification (06012015). Collection method: clinical testing. Allele origin: germline. Affected: yes.
Comment: This variant is considered likely benign or benign based on one or more of the following criteria: it is a conservative change, it occurs at a poorly conserved position in the protein, it is predicted to be benign by multiple in silico algorithms, and/or has population frequency not consistent with disease.

NM_000540.3(RYR1):c.6942G>A (p.Val2314=)

Gene: RYR1 (ryanodine receptor 1; plus strand). Cytogenetic location: 19q13.2.
Variant type: single nucleotide variant.
Coding change: c.6942G>A on transcript NM_000540.3 (MANE Select); coding-DNA position 6942, G replaced by A.
Protein change: p.Val2314=; no amino-acid change (valine 2314 retained).
Molecular consequence: synonymous variant.
Genome position (GRCh38, 1-based): chr19:38,499,158, G>A. VCF-style: chr19-38499158-G-A. GRCh37 (hg19) VCF-style: chr19-38989798-G-A.
Other names: c.6942G>A, p.Val2314= (NM_001042723.2).
Identifiers: ClinVar variation 668404 (VCV000668404.1), dbSNP rs1600817998, ClinGen allele CA507243164.